The following is an entry in ClinVar:

NM_006432.5(NPC2):c.223C>T (p.His75Tyr)

Gene: NPC2 (NPC intracellular cholesterol transporter 2; minus strand). Cytogenetic location: 14q24.3.
Variant type: single nucleotide variant.
Coding change: c.223C>T on transcript NM_006432.5 (MANE Select); coding-DNA position 223, C replaced by T.
Protein change: p.His75Tyr; replaces histidine 75 with tyrosine.
Molecular consequence: missense variant.
Genome position (GRCh38, 1-based): chr14:74,484,555, G>A on the plus strand (C>T on the coding strand, the complement: NPC2 is on the minus strand). VCF-style: chr14-74484555-G-A. GRCh37 (hg19) VCF-style: chr14-74951258-G-A.
Other names: c.223C>T, p.His75Tyr (NM_001363688.1, NM_001375440.1); short protein forms H75Y.
Identifiers: ClinVar variation 3225584 (VCV003225584.1), dbSNP rs762621803, ClinGen allele CA7268164.

ClinVar aggregate classification (germline): Uncertain significance (1 of 4 stars; one submission).

Conditions:
Inborn genetic diseases. Identifiers: MedGen C0950123, MeSH D030342.

Allele frequency attached by ClinVar (database versions not stated): gnomAD exomes below 0.00001; ExAC 0.00001.
gnomAD v4.1: 2 of 1,614,066 alleles (0.00012%); highest among the groups gnomAD compares: Non-Finnish European, 0.00017%; no homozygotes.

Submission:

Ambry Genetics
Classification: Uncertain significance for Inborn genetic diseases. Last evaluated: 2023-10-23. Review status: criteria provided, single submitter. Criteria: Ambry Variant Classification Scheme 2023. Collection method: clinical testing. Allele origin: germline.
Comment: The p.H75Y variant (also known as c.223C>T), located in coding exon 3 of the NPC2 gene, results from a C to T substitution at nucleotide position 223. The histidine at codon 75 is replaced by tyrosine, an amino acid with similar properties. This amino acid position is conserved. In addition, this alteration is predicted to be tolerated by in silico analysis. Since supporting evidence is limited at this time, the clinical significance of this alteration remains unclear.